The following is an entry in ClinVar:

ClinVar aggregate classification (germline): Uncertain significance (1 of 4 stars; one submission).

Allele frequency attached by ClinVar (database versions not stated): ExAC 0.00004; ESP Exome Variant Server 0.00008; TOPMed 0.00005; gnomAD 0.00006; 1000 Genomes Project 0.00040; 1000 Genomes Project 30x 0.00047.
gnomAD v4.1: 39 of 1,539,584 alleles (0.0025%); highest among the groups gnomAD compares: East Asian, 0.009%; no homozygotes.

Submission:

Labcorp Genetics (formerly Invitae), Labcorp
Classification: Uncertain significance. Last evaluated: 2025-04-26. Review status: criteria provided, single submitter. Criteria: Invitae Variant Classification Sherloc (09022015). Collection method: clinical testing. Allele origin: germline.
Comment: This sequence change affects codon 1044 of the DSCAML1 mRNA. It is a 'silent' change, meaning that it does not change the encoded amino acid sequence of the DSCAML1 protein. It affects a nucleotide within the consensus splice site. This variant is present in population databases (rs141698129, gnomAD 0.01%). This variant has not been reported in the literature in individuals affected with DSCAML1-related conditions. ClinVar contains an entry for this variant (Variation ID: 2967993). Algorithms developed to predict the effect of sequence changes on RNA splicing suggest that this variant is not likely to affect RNA splicing. In summary, the available evidence is currently insufficient to determine the role of this variant in disease. Therefore, it has been classified as a Variant of Uncertain Significance.

NM_020693.4(DSCAML1):c.2952C>T (p.Ala984=)

Gene: DSCAML1 (DS cell adhesion molecule like 1; minus strand). Cytogenetic location: 11q23.3.
Variant type: single nucleotide variant.
Coding change: c.2952C>T on transcript NM_020693.4 (MANE Select); coding-DNA position 2952, C replaced by T.
Protein change: p.Ala984=; no amino-acid change (alanine 984 retained).
Molecular consequence: synonymous variant.
Genome position (GRCh38, 1-based): chr11:117,471,870, G>A on the plus strand (C>T on the coding strand, the complement: DSCAML1 is on the minus strand). VCF-style: chr11-117471870-G-A. GRCh37 (hg19) VCF-style: chr11-117342585-G-A.
Identifiers: ClinVar variation 2967993 (VCV002967993.3), dbSNP rs141698129, ClinGen allele CA6296851.